The following is an entry in ClinVar:

ClinVar aggregate classification (germline): Uncertain significance (1 of 4 stars; one submission).

Submission:

Labcorp Genetics (formerly Invitae), Labcorp
Classification: Uncertain significance. Last evaluated: 2022-12-14. Review status: criteria provided, single submitter. Criteria: Invitae Variant Classification Sherloc (09022015). Collection method: clinical testing. Allele origin: germline.
Comment: This variant is not present in population databases (gnomAD no frequency). This sequence change replaces glycine, which is neutral and non-polar, with arginine, which is basic and polar, at codon 263 of the KIF20A protein (p.Gly263Arg). This variant has not been reported in the literature in individuals affected with KIF20A-related conditions. Algorithms developed to predict the effect of missense changes on protein structure and function (SIFT, PolyPhen-2, Align-GVGD) all suggest that this variant is likely to be disruptive. In summary, the available evidence is currently insufficient to determine the role of this variant in disease. Therefore, it has been classified as a Variant of Uncertain Significance.

NM_005733.3(KIF20A):c.787G>A (p.Gly263Arg)

Gene: KIF20A (kinesin family member 20A; plus strand). Cytogenetic location: 5q31.2.
Variant type: single nucleotide variant.
Coding change: c.787G>A on transcript NM_005733.3 (MANE Select); coding-DNA position 787, G replaced by A.
Protein change: p.Gly263Arg; replaces glycine 263 with arginine.
Molecular consequence: missense variant.
Genome position (GRCh38, 1-based): chr5:138,182,945, G>A. VCF-style: chr5-138182945-G-A. GRCh37 (hg19) VCF-style: chr5-137518634-G-A.
Other names: short protein forms G263R.
Identifiers: ClinVar variation 2024558 (VCV002024558.4), dbSNP rs2482180326, ClinGen allele CA361114088.